The following is an entry in ClinVar:

ClinVar aggregate classification (germline): Pathogenic (1 of 4 stars; one submission).

Submission:

Labcorp Genetics (formerly Invitae), Labcorp
Classification: Pathogenic. Last evaluated: 2019-07-25. Review status: criteria provided, single submitter. Criteria: Invitae Variant Classification Sherloc (09022015). Collection method: clinical testing. Allele origin: germline.
Comment: For these reasons, this variant has been classified as Pathogenic. Loss-of-function variants in CDH23 are known to be pathogenic (PMID: 11138009, 21940737). This sequence change creates a premature translational stop signal (p.Ala1466Thrfs*50) in the CDH23 gene. It is expected to result in an absent or disrupted protein product. This variant is not present in population databases (ExAC no frequency). This variant has not been reported in the literature in individuals with CDH23-related conditions.

Literature cited by the submitters: PubMed 11138009; PubMed 21940737.

NM_022124.6(CDH23):c.4396_4397delinsA (p.Ala1466fs)

Gene: CDH23 (cadherin related 23; plus strand). Cytogenetic location: 10q22.1.
Variant type: Indel.
Coding change: c.4396_4397delinsA on transcript NM_022124.6 (MANE Select); coding-DNA positions 4396 to 4397, GC replaced by A.
Protein change: p.Ala1466fs; shifts the reading frame from alanine 1466.
Molecular consequence: frameshift variant.
Genome position (GRCh38, 1-based): chr10:71,739,680-71,739,681, GC replaced by A. VCF-style: chr10-71739680-GC-A. GRCh37 (hg19) VCF-style: chr10-73499437-GC-A.
Other names: short protein forms A1466fs.
Identifiers: ClinVar variation 970132 (VCV000970132.6), dbSNP rs1839681191, ClinGen allele CA1139661490.